The following is an entry in ClinVar:

NM_001323289.2(CDKL5):c.1071del (p.Asp357fs)

Gene: CDKL5 (cyclin dependent kinase like 5; plus strand). Cytogenetic location: Xp22.13.
Variant type: Deletion.
Coding change: c.1071del on transcript NM_001323289.2 (MANE Select); coding-DNA position 1071, one base deleted (C; older notation c.1071delC).
Protein change: p.Asp357fs; shifts the reading frame from aspartic acid 357.
Molecular consequence: frameshift variant.
Genome position (GRCh38, 1-based): chrX:18,603,995, C deleted. VCF-style (leftmost placement, unchanged base first): chrX-18603994-AC-A. GRCh37 (hg19) VCF-style: chrX-18622114-AC-A.
Other names: NM_001323289.2(CDKL5):c.1071del; p.Asp357fs; c.1071del, p.Asp357fs (NM_001037343.2, NM_003159.3); c.1071delC (NM_003159.2); short protein forms D357fs.
Identifiers: ClinVar variation 189552 (VCV000189552.3), dbSNP rs786204965, ClinGen allele CA235607.

ClinVar aggregate classification (germline): Likely pathogenic. Review status: criteria provided, single submitter (1 of 4 stars). 2 submissions from 2 submitters: Likely pathogenic (1). 1 of the submissions does not count toward it. Last evaluated 2024-09-18.

Conditions:
CDKL5 disorder. Identifiers: MedGen CN296942, MONDO:0100039.

Submissions (2):

Centre for Population Genomics, CPG
Classification: Likely pathogenic for CDKL5 disorder. Last evaluated: 2024-09-18. Review status: criteria provided, single submitter. Criteria: McKnight et al. (Hum Mutat. 2022). Collection method: curation. Allele origin: germline. Inheritance: X-linked inheritance.
Comment: This variant has been collected from RettBASE and curated to current modified ACMG/AMP criteria. Based on the classification scheme defined by the ClinGen Rett/Angelman-like Expert Panel for Rett/AS-like Disorders Specifications to the ACMG/AMP Variant Interpretation Guidelines VCEP 3.0, this variant is classified as likely pathogenic. At least the following criteria are met: Predicted to result in loss of function, and LOF is a known mechanism of disease (PVS1). This variant is absent from gnomAD v4 (PM2_Supporting).

RettBASE
Classification: Pathogenic. Last evaluated: 2014-03-13. Review status: no assertion criteria provided. Collection method: curation. Allele origin: unknown. Observed: 1 variant allele. Not counted in ClinVar's aggregate classification.

Literature cited by the submitters: PubMed 23064044 (cited by RettBASE).